The following is an entry in ClinVar:

ClinVar aggregate classification (germline): Uncertain significance. Review status: criteria provided, multiple submitters, no conflicts (2 of 4 stars). 2 submissions from 2 submitters: Uncertain significance (2). Last evaluated 2025-09-10.

gnomAD v4.1: 2 of 1,607,066 alleles (0.00012%); highest among the groups gnomAD compares: Non-Finnish European, 0.000085%; no homozygotes.

Submissions (2):

Labcorp Genetics (formerly Invitae), Labcorp
Classification: Uncertain significance. Last evaluated: 2025-09-10. Review status: criteria provided, single submitter. Criteria: Invitae Variant Classification Sherloc (09022015). Collection method: clinical testing. Allele origin: germline.
Comment: This sequence change replaces proline, which is neutral and non-polar, with threonine, which is neutral and polar, at codon 874 of the COL2A1 protein (p.Pro874Thr). This variant is not present in population databases (gnomAD no frequency). This variant has not been reported in the literature in individuals affected with COL2A1-related conditions. ClinVar contains an entry for this variant (Variation ID: 499920). Invitae Evidence Modeling of protein sequence and biophysical properties (such as structural, functional, and spatial information, amino acid conservation, physicochemical variation, residue mobility, and thermodynamic stability) indicates that this missense variant is expected to disrupt COL2A1 protein function with a positive predictive value of 80%. In summary, the available evidence is currently insufficient to determine the role of this variant in disease. Therefore, it has been classified as a Variant of Uncertain Significance.

Eurofins Ntd Llc (ga)
Classification: Uncertain significance. Last evaluated: 2017-03-09. Review status: criteria provided, single submitter. Criteria: EGL Classification Definitions 2015. Collection method: clinical testing. Allele origin: germline. Observed: 1 variant allele, 1 heterozygote.

NM_001844.5(COL2A1):c.2620C>A (p.Pro874Thr)

Gene: COL2A1 (collagen type II alpha 1 chain; minus strand). Cytogenetic location: 12q13.11.
Variant type: single nucleotide variant.
Coding change: c.2620C>A on transcript NM_001844.5 (MANE Select); coding-DNA position 2620, C replaced by A.
Protein change: p.Pro874Thr; replaces proline 874 with threonine.
Molecular consequence: missense variant.
Genome position (GRCh38, 1-based): chr12:47,980,559, G>T on the plus strand (C>A on the coding strand, the complement: COL2A1 is on the minus strand). VCF-style: chr12-47980559-G-T. GRCh37 (hg19) VCF-style: chr12-48374342-G-T.
Other names: c.2413C>A, p.Pro805Thr (NM_033150.3); short protein forms P874T, P805T.
Identifiers: ClinVar variation 499920 (VCV000499920.8), dbSNP rs377198201, ClinGen allele CA384544350.
Genomic context (GRCh38, chr12:47,980,559, plus strand): 5'-GCACGCCAGGAGCCCTTCCTTGAGGGAACAATTCTTGGAGTGCAGCGTTACCCACCTGAG[G>T]CCCAGGTGCTCCAGAGGGGCCCTGAGGACCAGGGGCACCAGCATCGCCTTTCTGGCCGGC-3'
Protein context (NP_001835.3, residues 864-884): GPQGPSGAPG[Pro874Thr]QGPTGVTGPK